The following is an entry in ClinVar:

ClinVar aggregate classification (germline): Likely pathogenic (0 of 4 stars; one submission).

Conditions:
VPS13B-related disorder. Also called: VPS13B-related condition.

Submission:

PreventionGenetics, part of Exact Sciences
Classification: Likely pathogenic for VPS13B-related condition. Last evaluated: 2024-03-06. Review status: no assertion criteria provided. Collection method: clinical testing. Allele origin: germline.
Comment: The VPS13B c.6942G>A variant is predicted to result in premature protein termination (p.Trp2314*). To our knowledge, this variant has not been reported in the literature or in a large population database, indicating this variant is rare. Nonsense variants in VPS13B are expected to be pathogenic. This variant is interpreted as likely pathogenic.

NM_152564.5(VPS13B):c.6942G>A (p.Trp2314Ter)

Gene: VPS13B (vacuolar protein sorting 13 homolog B; plus strand). Cytogenetic location: 8q22.2.
Variant type: single nucleotide variant.
Coding change: c.6942G>A on transcript NM_152564.5 (MANE Select); coding-DNA position 6942, G replaced by A.
Protein change: p.Trp2314Ter; replaces tryptophan 2314 with a stop codon.
Molecular consequence: nonsense.
Genome position (GRCh38, 1-based): chr8:99,720,939, G>A. VCF-style: chr8-99720939-G-A. GRCh37 (hg19) VCF-style: chr8-100733167-G-A.
Other names: c.7017G>A, p.Trp2339Ter (NM_017890.5); short protein forms W2314*, W2339*.
Identifiers: ClinVar variation 3349005 (VCV003349005.1).